The following is an entry in ClinVar:

ClinVar aggregate classification (germline): Uncertain significance. Review status: criteria provided, multiple submitters, no conflicts (2 of 4 stars). 2 submissions from 2 submitters: Uncertain significance (2). Last evaluated 2025-05-21.

Conditions:
Inborn genetic diseases. Identifiers: MedGen C0950123, MeSH D030342.

Allele frequency attached by ClinVar (database versions not stated): TOPMed below 0.00001; ExAC 0.00001; gnomAD 0.00001; gnomAD exomes 0.00001.
gnomAD v4.1: 14 of 1,613,064 alleles (0.00087%); highest among the groups gnomAD compares: African/African-American, 0.0053%; no homozygotes.

Submissions (2):

Ambry Genetics
Classification: Uncertain significance for Inborn genetic diseases. Last evaluated: 2025-05-21. Review status: criteria provided, single submitter. Criteria: Ambry Variant Classification Scheme 2023. Collection method: clinical testing. Allele origin: germline.

Labcorp Genetics (formerly Invitae), Labcorp
Classification: Uncertain significance. Last evaluated: 2024-11-26. Review status: criteria provided, single submitter. Criteria: Invitae Variant Classification Sherloc (09022015). Collection method: clinical testing. Allele origin: germline.
Comment: This sequence change replaces tyrosine, which is neutral and polar, with cysteine, which is neutral and slightly polar, at codon 1380 of the CDK13 protein (p.Tyr1380Cys). This variant is present in population databases (rs752649261, gnomAD 0.007%). This variant has not been reported in the literature in individuals affected with CDK13-related conditions. ClinVar contains an entry for this variant (Variation ID: 2722018). Invitae Evidence Modeling of protein sequence and biophysical properties (such as structural, functional, and spatial information, amino acid conservation, physicochemical variation, residue mobility, and thermodynamic stability) has been performed for this missense variant. However, the output from this modeling did not meet the statistical confidence thresholds required to predict the impact of this variant on CDK13 protein function. In summary, the available evidence is currently insufficient to determine the role of this variant in disease. Therefore, it has been classified as a Variant of Uncertain Significance.

NM_003718.5(CDK13):c.4139A>G (p.Tyr1380Cys)

Gene: CDK13 (cyclin dependent kinase 13; plus strand). Cytogenetic location: 7p14.1.
Variant type: single nucleotide variant.
Coding change: c.4139A>G on transcript NM_003718.5 (MANE Select); coding-DNA position 4139, A replaced by G.
Protein change: p.Tyr1380Cys; replaces tyrosine 1380 with cysteine.
Molecular consequence: missense variant.
Genome position (GRCh38, 1-based): chr7:40,094,580, A>G. VCF-style: chr7-40094580-A-G. GRCh37 (hg19) VCF-style: chr7-40134179-A-G.
Other names: c.3959A>G, p.Tyr1320Cys (NM_031267.4); short protein forms Y1380C, Y1320C.
Identifiers: ClinVar variation 2722018 (VCV002722018.4), dbSNP rs752649261, ClinGen allele CA4229088.